The following is an entry in ClinVar:

NM_001457.4(FLNB):c.3421C>T (p.Pro1141Ser)

Gene: FLNB (filamin B; plus strand). Cytogenetic location: 3p14.3.
Variant type: single nucleotide variant.
Coding change: c.3421C>T on transcript NM_001457.4 (MANE Select); coding-DNA position 3421, C replaced by T.
Protein change: p.Pro1141Ser; replaces proline 1141 with serine.
Molecular consequence: missense variant.
Genome position (GRCh38, 1-based): chr3:58,123,387, C>T. VCF-style: chr3-58123387-C-T. GRCh37 (hg19) VCF-style: chr3-58109114-C-T.
Other names: c.3421C>T, p.Pro1141Ser (NM_001164317.2, NM_001164318.2, NM_001164319.2); short protein forms P1141S.
Identifiers: ClinVar variation 2282558 (VCV002282558.5), dbSNP rs2471123833, ClinGen allele CA353348770.

ClinVar aggregate classification (germline): Uncertain significance. Review status: criteria provided, multiple submitters, no conflicts (2 of 4 stars). 2 submissions from 2 submitters: Uncertain significance (2). Last evaluated 2024-05-31.

Conditions:
Inborn genetic diseases. Identifiers: MedGen C0950123, MeSH D030342.

Submissions (2):

Labcorp Genetics (formerly Invitae), Labcorp
Classification: Uncertain significance. Last evaluated: 2024-05-31. Review status: criteria provided, single submitter. Criteria: Invitae Variant Classification Sherloc (09022015). Collection method: clinical testing. Allele origin: germline.
Comment: This sequence change replaces proline, which is neutral and non-polar, with serine, which is neutral and polar, at codon 1141 of the FLNB protein (p.Pro1141Ser). This variant is not present in population databases (gnomAD no frequency). This variant has not been reported in the literature in individuals affected with FLNB-related conditions. ClinVar contains an entry for this variant (Variation ID: 2282558). Advanced modeling of protein sequence and biophysical properties (such as structural, functional, and spatial information, amino acid conservation, physicochemical variation, residue mobility, and thermodynamic stability) performed at Invitae indicates that this missense variant is not expected to disrupt FLNB protein function with a negative predictive value of 95%. In summary, the available evidence is currently insufficient to determine the role of this variant in disease. Therefore, it has been classified as a Variant of Uncertain Significance.

Ambry Genetics
Classification: Uncertain significance for Inborn genetic diseases. Last evaluated: 2022-04-08. Review status: criteria provided, single submitter. Criteria: Ambry Variant Classification Scheme 2023. Collection method: clinical testing. Allele origin: germline.